The following is an entry in ClinVar:

NM_182961.4(SYNE1):c.12331A>T (p.Ile4111Phe)

Gene: SYNE1 (spectrin repeat containing nuclear envelope protein 1; minus strand). Cytogenetic location: 6q25.2.
Variant type: single nucleotide variant.
Coding change: c.12331A>T on transcript NM_182961.4 (MANE Select); coding-DNA position 12331, A replaced by T.
Protein change: p.Ile4111Phe; replaces isoleucine 4111 with phenylalanine.
Molecular consequence: missense variant.
Genome position (GRCh38, 1-based): chr6:152,339,261, T>A on the plus strand (A>T on the coding strand, the complement: SYNE1 is on the minus strand). VCF-style: chr6-152339261-T-A. GRCh37 (hg19) VCF-style: chr6-152660396-T-A.
Other names: p.Ile4040Phe; c.12118A>T, p.Ile4040Phe (NM_033071.5); short protein forms I4040F, I4111F.
Identifiers: ClinVar variation 501175 (VCV000501175.11), dbSNP rs755885051, ClinGen allele CA4056439.

ClinVar aggregate classification (germline): Uncertain significance. Review status: criteria provided, multiple submitters, no conflicts (2 of 4 stars). 4 submissions from 4 submitters: Uncertain significance (4). Last evaluated 2025-07-18.

Allele frequency attached by ClinVar (database versions not stated): TOPMed 0.00001; gnomAD exomes 0.00002; ExAC 0.00002.
gnomAD v4.1: 37 of 1,613,838 alleles (0.0023%); highest among the groups gnomAD compares: Non-Finnish European, 0.0029%; no homozygotes.

Submissions (4):

Mayo Clinic Laboratories, Mayo Clinic
Classification: Uncertain significance. Last evaluated: 2025-07-18. Review status: criteria provided, single submitter. Criteria: ACMG Guidelines, 2015. Collection method: clinical testing. Allele origin: germline. Observed: 1 variant allele.
Comment: BP4

Revvity Omics, Revvity
Classification: Uncertain significance. Last evaluated: 2022-08-18. Review status: criteria provided, single submitter. Criteria: ACMG Guidelines, 2015. Collection method: clinical testing. Allele origin: germline.

GeneDx
Classification: Uncertain significance. Last evaluated: 2020-07-16. Review status: criteria provided, single submitter. Criteria: GeneDx Variant Classification Process June 2021. Collection method: clinical testing. Allele origin: germline. Affected: yes.
Comment: Not observed at a significant frequency in large population cohorts (Lek et al., 2016); In silico analysis supports that this missense variant does not alter protein structure/function; Has not been previously published as pathogenic or benign to our knowledge

Eurofins Ntd Llc (ga)
Classification: Uncertain significance. Last evaluated: 2017-04-03. Review status: criteria provided, single submitter. Criteria: EGL Classification Definitions 2015. Collection method: clinical testing. Allele origin: germline. Observed: 1 variant allele, 1 heterozygote.